The following is an entry in ClinVar:

ClinVar aggregate classification (germline): Uncertain significance (1 of 4 stars; one submission).

Conditions:
Intellectual developmental disorder, X-linked, syndromic, Turner type. Also called: X-linked intellectual disability, Turner type; Intellectual disability, X-linked syndromic, Turner type. Identifiers: Orphanet 3056, Orphanet 85328, MedGen C2678046, MONDO:0010407, OMIM 309590.

Submission:

Victorian Clinical Genetics Services, Murdoch Childrens Research Institute
Classification: Uncertain significance for Intellectual developmental disorder, X-linked, syndromic, Turner type. Last evaluated: 2022-02-02. Review status: criteria provided, single submitter. Criteria: ACMG Guidelines, 2015. Collection method: clinical testing. Allele origin: germline. Inheritance: X-linked inheritance. Affected: yes.
Comment: Based on the classification scheme VCGS_Germline_v1.3.4, this variant is classified as VUS-3B. Following criteria are met: 0103 - Loss of function and gain of function are known mechanisms of disease in this gene and are associated with Turner type X-linked syndromic intellectual disability (MIM#309590) (PMID: 27130160). (I) 0110 - This gene is associated with X-linked disease. Due to skewed X-inactivation heterozygous females can be variably affected ranging from asymptomatic to fully manifesting the condition (PMID: 29180823). (I) 0200 - Variant is predicted to result in a missense amino acid change from leucine to proline. (I) 0253 - This variant is hemizygous. (I) 0301 - Variant is absent from gnomAD (both v2 and v3). (SP) 0502 - Missense variant with conflicting in silico predictions and uninformative conservation. (I) 0603 - Missense variant in a region that is highly intolerant to missense variation (high constraint region in DECIPHER). (SP) 0705 - No comparable missense variants have previous evidence for pathogenicity. (I) 0807 - This variant has no previous evidence of pathogenicity. (I) 0905 - No published segregation evidence has been identified for this variant. (I) 1007 - No published functional evidence has been identified for this variant. (I) Legend: (SP) - Supporting pathogenic, (I) - Information, (SB) - Supporting benign

Literature cited by the submitters: PubMed 27130160; PubMed 29180823.

NM_031407.7(HUWE1):c.11591T>C (p.Leu3864Pro)

Gene: HUWE1 (HECT, UBA and WWE domain containing E3 ubiquitin protein ligase 1; minus strand). Cytogenetic location: Xp11.22.
Variant type: single nucleotide variant.
Coding change: c.11591T>C on transcript NM_031407.7 (MANE Select); coding-DNA position 11591, T replaced by C.
Protein change: p.Leu3864Pro; replaces leucine 3864 with proline.
Molecular consequence: missense variant.
Genome position (GRCh38, 1-based): chrX:53,539,698, A>G on the plus strand (T>C on the coding strand, the complement: HUWE1 is on the minus strand). VCF-style: chrX-53539698-A-G. GRCh37 (hg19) VCF-style: chrX-53566659-A-G.
Other names: short protein forms L3864P.
Identifiers: ClinVar variation 1805179 (VCV001805179.2), dbSNP rs2522462806, ClinGen allele CA413160147.
Genomic context (GRCh38, chrX:53,539,698, plus strand): 5'-CCTTTAGGACACAACTCACCTAGCACCGCATGCTGGTCATGGGATTCCTCTAGTTCCTTT[A>G]GACACTCCCCAAGCATGTCCCACAGCTCGTCCAAACTCAGCTGCTCGCTGAGCAGGGGTA-3'
Protein context (NP_113584.3, residues 3854-3874): DELWDMLGEC[Leu3864Pro]KELEESHDQH